The following is an entry in ClinVar:

NM_032578.4(MYPN):c.23C>T (p.Ala8Val)

Gene: MYPN (myopalladin; plus strand). Cytogenetic location: 10q21.3.
Variant type: single nucleotide variant.
Coding change: c.23C>T on transcript NM_032578.4 (MANE Select); coding-DNA position 23, C replaced by T.
Protein change: p.Ala8Val; replaces alanine 8 with valine.
Molecular consequence: missense variant. On other transcripts: 5 prime UTR variant (1), non-coding transcript variant (1).
Genome position (GRCh38, 1-based): chr10:68,121,461, C>T. VCF-style: chr10-68121461-C-T. GRCh37 (hg19) VCF-style: chr10-69881218-C-T.
Other names: c.23C>T, p.Ala8Val (NM_001256267.2); c.-1100C>T (NM_001256268.2); short protein forms A8V.
Identifiers: ClinVar variation 1790708 (VCV001790708.2), dbSNP rs2495459325, ClinGen allele CA377103453.
Genomic context (GRCh38, chr10:68,121,461, plus strand): 5'-ATGATCCAAACTTTTTGTTATTATTATTTTGTGACAGCATGCAAGACGACAGCATAGAAG[C>T]TTCTACTTCCATATCTCAGCTTCTAAGAGAGAGCTATTTAGCTGAAACCAGACATCGGGG-3'
Protein context (NP_115967.2, residues 1-18): MQDDSIE[Ala8Val]STSISQLLRE

ClinVar aggregate classification (germline): Uncertain significance (1 of 4 stars; one submission).

Conditions:
Cardiovascular phenotype. Identifiers: MedGen CN230736.

Submission:

Ambry Genetics
Classification: Uncertain significance for Cardiovascular phenotype. Last evaluated: 2020-12-23. Review status: criteria provided, single submitter. Criteria: Ambry Variant Classification Scheme 2023. Collection method: clinical testing. Allele origin: germline.
Comment: The p.A8V variant (also known as c.23C>T), located in coding exon 1 of the MYPN gene, results from a C to T substitution at nucleotide position 23. The alanine at codon 8 is replaced by valine, an amino acid with similar properties. This amino acid position is not well conserved in available vertebrate species. In addition, this alteration is predicted to be tolerated by in silico analysis. Since supporting evidence is limited at this time, the clinical significance of this alteration remains unclear.